The following is an entry in ClinVar:

ClinVar aggregate classification (germline): Uncertain significance (1 of 4 stars; one submission).

gnomAD v4.1: 2 of 1,613,514 alleles (0.00012%); highest among the groups gnomAD compares: Non-Finnish European, 0.00017%; no homozygotes.

Submission:

CeGaT Center for Human Genetics Tuebingen
Classification: Uncertain significance. Last evaluated: 2025-03-01. Review status: criteria provided, single submitter. Criteria: CeGaT Center For Human Genetics Tuebingen Variant Classification Criteria Version 2. Collection method: clinical testing. Allele origin: germline. Affected: yes. Observed: 1 variant allele.
Comment: TTN: PM2, BP4

NM_001267550.2(TTN):c.69506G>A (p.Ser23169Asn)

Genes: TTN (titin; minus strand), TTN-AS1 (TTN antisense RNA 1; plus strand). Cytogenetic location: 2q31.2.
Variant type: single nucleotide variant.
Coding change: c.69506G>A on transcript NM_001267550.2 (MANE Select); coding-DNA position 69506, G replaced by A.
Protein change: p.Ser23169Asn; replaces serine 23169 with asparagine.
Molecular consequence: missense variant.
Genome position (GRCh38, 1-based): chr2:178,576,738, C>T on the plus strand (G>A on the coding strand, the complement: TTN is on the minus strand). VCF-style: chr2-178576738-C-T. GRCh37 (hg19) VCF-style: chr2-179441465-C-T.
Other names: c.42887G>A, p.Ser14296Asn (NM_133437.4); c.64583G>A, p.Ser21528Asn (NM_001256850.1); c.42311G>A, p.Ser14104Asn (NM_003319.4); c.61802G>A, p.Ser20601Asn (NM_133378.4); c.42686G>A, p.Ser14229Asn (NM_133432.3); short protein forms S14104N, S14229N, S14296N, S20601N, S21528N, S23169N.
Identifiers: ClinVar variation 3778459 (VCV003778459.7).